The following is an entry in ClinVar:

ClinVar aggregate classification (germline): Pathogenic. Review status: criteria provided, multiple submitters, no conflicts (2 of 4 stars). 3 submissions from 3 submitters: Pathogenic (3). Last evaluated 2023-11-04.

Conditions:
Usher syndrome type 2A. Also called: USHER SYNDROME, TYPE IIA; RETINAL DISEASE IN USHER SYNDROME TYPE IIA, MODIFIER OF. Identifiers: Orphanet 231178, Orphanet 886, MedGen C1848634, MONDO:0010169, OMIM 276901.

Submissions (3):

Genome-Nilou Lab
Classification: Pathogenic for Usher syndrome type 2A. Last evaluated: 2023-11-04. Review status: criteria provided, single submitter. Criteria: ACMG Guidelines, 2015. Collection method: clinical testing. Allele origin: germline. Affected: no.

Labcorp Genetics (formerly Invitae), Labcorp
Classification: Pathogenic. Last evaluated: 2022-07-21. Review status: criteria provided, single submitter. Criteria: Invitae Variant Classification Sherloc (09022015). Collection method: clinical testing. Allele origin: germline.
Comment: This variant has not been reported in the literature in individuals affected with USH2A-related conditions. This variant is not present in population databases (gnomAD no frequency). This sequence change creates a premature translational stop signal (p.Leu2485*) in the USH2A gene. It is expected to result in an absent or disrupted protein product. Loss-of-function variants in USH2A are known to be pathogenic (PMID: 10729113, 10909849, 20507924, 25649381). ClinVar contains an entry for this variant (Variation ID: 1213942). For these reasons, this variant has been classified as Pathogenic.

DBGen Ocular Genomics
Classification: Pathogenic for Usher syndrome type 2A. Last evaluated: 2021-06-23. Review status: criteria provided, single submitter. Criteria: ACMG Guidelines, 2015. Collection method: clinical testing. Allele origin: germline. Affected: yes. Observed: 1 variant allele.

Literature cited by the submitters: PubMed 10729113 (cited by Labcorp Genetics (formerly Invitae), Labcorp); PubMed 10909849 (cited by Labcorp Genetics (formerly Invitae), Labcorp); PubMed 20507924 (cited by Labcorp Genetics (formerly Invitae), Labcorp); PubMed 25649381 (cited by Labcorp Genetics (formerly Invitae), Labcorp).

NM_206933.4(USH2A):c.7454T>A (p.Leu2485Ter)

Gene: USH2A (usherin; minus strand). Cytogenetic location: 1q41.
Variant type: single nucleotide variant.
Coding change: c.7454T>A on transcript NM_206933.4 (MANE Select); coding-DNA position 7454, T replaced by A.
Protein change: p.Leu2485Ter; replaces leucine 2485 with a stop codon.
Molecular consequence: nonsense.
Genome position (GRCh38, 1-based): chr1:215,900,215, A>T on the plus strand (T>A on the coding strand, the complement: USH2A is on the minus strand). VCF-style: chr1-215900215-A-T. GRCh37 (hg19) VCF-style: chr1-216073557-A-T.
Other names: short protein forms L2485*.
Identifiers: ClinVar variation 1213942 (VCV001213942.8), dbSNP rs2102469649, ClinGen allele CA344848971.